The following is an entry in ClinVar:

ClinVar aggregate classification (germline): Uncertain significance (1 of 4 stars; one submission).

Allele frequency attached by ClinVar (database versions not stated): gnomAD 0.00003; TOPMed 0.00001; ExAC 0.00003; 1000 Genomes Project 0.00020; gnomAD exomes 0.00001; 1000 Genomes Project 30x 0.00016.
gnomAD v4.1: 15 of 1,614,062 alleles (0.00093%); highest among the groups gnomAD compares: Middle Eastern, 0.016%; no homozygotes.

Submission:

Labcorp Genetics (formerly Invitae), Labcorp
Classification: Uncertain significance. Last evaluated: 2022-08-16. Review status: criteria provided, single submitter. Criteria: Invitae Variant Classification Sherloc (09022015). Collection method: clinical testing. Allele origin: germline.
Comment: This sequence change replaces valine, which is neutral and non-polar, with methionine, which is neutral and non-polar, at codon 276 of the GNB3 protein (p.Val276Met). Algorithms developed to predict the effect of missense changes on protein structure and function are either unavailable or do not agree on the potential impact of this missense change (SIFT: "Tolerated"; PolyPhen-2: "Probably Damaging"; Align-GVGD: "Class C0"). In summary, the available evidence is currently insufficient to determine the role of this variant in disease. Therefore, it has been classified as a Variant of Uncertain Significance. This variant has not been reported in the literature in individuals affected with GNB3-related conditions. This variant is present in population databases (rs201226859, gnomAD 0.03%).

NM_002075.4(GNB3):c.826G>A (p.Val276Met)

Genes: CDCA3 (cell division cycle associated 3; minus strand), GNB3 (G protein subunit beta 3; plus strand). Cytogenetic location: 12p13.31.
Variant type: single nucleotide variant.
Coding change: c.826G>A on transcript NM_002075.4 (MANE Select); coding-DNA position 826, G replaced by A.
Protein change: p.Val276Met; replaces valine 276 with methionine.
Molecular consequence: missense variant. On other transcripts: 3 prime UTR variant (1).
Genome position (GRCh38, 1-based): chr12:6,845,712, G>A. VCF-style: chr12-6845712-G-A. GRCh37 (hg19) VCF-style: chr12-6954876-G-A.
Other names: c.823G>A, p.Val275Met (NM_001297571.2); c.*1076C>T (NM_001297603.3); short protein forms V276M, V275M.
Identifiers: ClinVar variation 1932365 (VCV001932365.4), dbSNP rs201226859, ClinGen allele CA6417675.
Genomic context (GRCh38, chr12:6,845,712, plus strand): 5'-CGGGCAGACCAGGAGCTGATCTGCTTCTCCCACGAGAGCATCATCTGCGGCATCACGTCC[G>A]TGGCCTTCTCCCTCAGTGGCCGCCTACTATTCGCTGGCTACGACGACTTCAACTGCAATG-3'
Protein context (NP_002066.1, residues 266-286): HESIICGITS[Val276Met]AFSLSGRLLF